The following is an entry in ClinVar:

NM_177438.3(DICER1):c.593C>T (p.Ser198Leu)

Gene: DICER1 (dicer 1, ribonuclease III; minus strand). Cytogenetic location: 14q32.13.
Variant type: single nucleotide variant.
Coding change: c.593C>T on transcript NM_177438.3 (MANE Select); coding-DNA position 593, C replaced by T.
Protein change: p.Ser198Leu; replaces serine 198 with leucine.
Molecular consequence: missense variant.
Genome position (GRCh38, 1-based): chr14:95,129,613, G>A on the plus strand (C>T on the coding strand, the complement: DICER1 is on the minus strand). VCF-style: chr14-95129613-G-A. GRCh37 (hg19) VCF-style: chr14-95595950-G-A.
Other names: c.593C>T, p.Ser198Leu (NM_001195573.1, NM_001271282.3, NM_001291628.2 and 1 more transcripts); short protein forms S198L.
Identifiers: ClinVar variation 938343 (VCV000938343.12), dbSNP rs1024665554, ClinGen allele CA265926121.
Genomic context (GRCh38, chr14:95,129,613, plus strand): 5'-TCCTCTGGATCACATTTCCCATTTAAAATGGAAGCAGTTAGTCCCAAAATGCGAGGACAT[G>A]ATGGACAATTTTCACAGAGCTAACATAATAAAAGATACTGACAGTAAAGACTTCATTTTG-3'
Protein context (NP_803187.1, residues 188-208): EIMKLCENCP[Ser198Leu]CPRILGLTAS

ClinVar aggregate classification (germline): Uncertain significance. Review status: criteria provided, multiple submitters, no conflicts (2 of 4 stars). 2 submissions from 2 submitters: Uncertain significance (2). Last evaluated 2024-12-24.

Conditions:
Hereditary cancer-predisposing syndrome. Also called: Tumor predisposition; Hereditary neoplastic syndrome; Neoplastic Syndromes, Hereditary; Hereditary Cancer Syndrome. Identifiers: Orphanet 140162, MedGen C0027672, MeSH D009386, MONDO:0015356.
DICER1-related tumor predisposition. Also called: DICER1 syndrome; DICER1-related pleuropulmonary blastoma cancer predisposition syndrome. Identifiers: Orphanet 284343, MedGen C3839822, MONDO:0100216.

Allele frequency attached by ClinVar (database versions not stated): gnomAD exomes below 0.00001; gnomAD 0.00001; TOPMed 0.00001.

Submissions (2):

Ambry Genetics
Classification: Uncertain significance for Hereditary cancer-predisposing syndrome. Last evaluated: 2024-12-24. Review status: criteria provided, single submitter. Criteria: Ambry Variant Classification Scheme 2023. Collection method: clinical testing. Allele origin: germline.
Comment: The p.S198L variant (also known as c.593C>T), located in coding exon 5 of the DICER1 gene, results from a C to T substitution at nucleotide position 593. The serine at codon 198 is replaced by leucine, an amino acid with dissimilar properties. This amino acid position is not well conserved in available vertebrate species. In addition, this alteration is predicted to be tolerated by in silico analysis. Based on the available evidence, the clinical significance of this variant remains unclear.

Labcorp Genetics (formerly Invitae), Labcorp
Classification: Uncertain significance for DICER1-related tumor predisposition. Last evaluated: 2024-08-11. Review status: criteria provided, single submitter. Criteria: Invitae Variant Classification Sherloc (09022015). Collection method: clinical testing. Allele origin: germline.
Comment: This sequence change replaces serine, which is neutral and polar, with leucine, which is neutral and non-polar, at codon 198 of the DICER1 protein (p.Ser198Leu). This variant is not present in population databases (gnomAD no frequency). This variant has not been reported in the literature in individuals affected with DICER1-related conditions. ClinVar contains an entry for this variant (Variation ID: 938343). Advanced modeling of protein sequence and biophysical properties (such as structural, functional, and spatial information, amino acid conservation, physicochemical variation, residue mobility, and thermodynamic stability) performed at Invitae indicates that this missense variant is not expected to disrupt DICER1 protein function with a negative predictive value of 80%. In summary, the available evidence is currently insufficient to determine the role of this variant in disease. Therefore, it has been classified as a Variant of Uncertain Significance.